The following is an entry in ClinVar:

NM_004881.5(TP53I3):c.748_749del (p.Leu250fs)

Genes: TP53I3 (tumor protein p53 inducible protein 3; minus strand), FAM228B (family with sequence similarity 228 member B; plus strand). Cytogenetic location: 2p23.3.
Variant type: Deletion.
Coding change: c.748_749del on transcript NM_004881.5 (MANE Select); coding-DNA positions 748 to 749, 2 bases deleted (CT; older notation c.748_749delCT).
Protein change: p.Leu250fs; shifts the reading frame from leucine 250.
Molecular consequence: frameshift variant. On other transcripts: intron variant (2).
Genome position (GRCh38, 1-based): chr2:24,079,511-24,079,512, AG deleted on the plus strand (CT on the coding strand, the reverse complement: TP53I3 is on the minus strand). VCF-style (leftmost placement, unchanged base first): chr2-24079510-CAG-C. GRCh37 (hg19) VCF-style: chr2-24302380-CAG-C.
Other names: c.748_749del, p.Leu250fs (NM_147184.4); c.-289-1365_-289-1364del (NM_001291328.2); c.619+1307_619+1308del (NM_001206802.2); short protein forms L250fs.
Identifiers: ClinVar variation 5000354 (VCV005000354.1).

ClinVar aggregate classification (germline): Uncertain significance (1 of 4 stars; one submission).

Conditions:
TP53I3-related disorder. Also called: TP53I3-related condition.

Submission:

PreventionGenetics, part of Exact Sciences
Classification: Uncertain significance for TP53I3-related condition. Last evaluated: 2025-10-07. Review status: criteria provided, single submitter. Criteria: ACMG Guidelines, 2015. Collection method: clinical testing. Allele origin: germline.
Comment: The TP53I3 c.748_749delCT variant is predicted to result in a frameshift and premature protein termination (p.Leu250Valfs*7). To our knowledge, this variant has not been reported in the literature. This variant is reported in 0.016% of alleles in individuals of European (Non-Finnish) descent in gnomAD. At the time of reporting, this variant was not present in ClinVar. At this time, the clinical significance of this variant is uncertain due to the absence of conclusive functional and genetic evidence.